The following is an entry in ClinVar:

ClinVar aggregate classification (germline): Uncertain significance (1 of 4 stars; one submission).

Conditions:
Nephronophthisis 15 (NPHP15). Identifiers: Orphanet 3156, MedGen C3541853, MONDO:0013917, OMIM 614845.

Allele frequency attached by ClinVar (database versions not stated): gnomAD exomes 0.00001.
gnomAD v4.1: 8 of 1,613,752 alleles (0.0005%); highest among the groups gnomAD compares: Non-Finnish European, 0.00068%; no homozygotes.

Submission:

Labcorp Genetics (formerly Invitae), Labcorp
Classification: Uncertain significance for Nephronophthisis 15. Last evaluated: 2022-05-03. Review status: criteria provided, single submitter. Criteria: Invitae Variant Classification Sherloc (09022015). Collection method: clinical testing. Allele origin: germline.
Comment: This sequence change replaces methionine, which is neutral and non-polar, with threonine, which is neutral and polar, at codon 854 of the CEP164 protein (p.Met854Thr). This variant is not present in population databases (gnomAD no frequency). This variant has not been reported in the literature in individuals affected with CEP164-related conditions. Algorithms developed to predict the effect of missense changes on protein structure and function (SIFT, PolyPhen-2, Align-GVGD) all suggest that this variant is likely to be disruptive. In summary, the available evidence is currently insufficient to determine the role of this variant in disease. Therefore, it has been classified as a Variant of Uncertain Significance.

NM_014956.5(CEP164):c.2561T>C (p.Met854Thr)

Gene: CEP164 (centrosomal protein 164; plus strand). Cytogenetic location: 11q23.3.
Variant type: single nucleotide variant.
Coding change: c.2561T>C on transcript NM_014956.5 (MANE Select); coding-DNA position 2561, T replaced by C.
Protein change: p.Met854Thr; replaces methionine 854 with threonine.
Molecular consequence: missense variant.
Genome position (GRCh38, 1-based): chr11:117,393,071, T>C. VCF-style: chr11-117393071-T-C. GRCh37 (hg19) VCF-style: chr11-117263787-T-C.
Other names: c.2570T>C, p.Met857Thr (NM_001271933.2); short protein forms M854T, M857T.
Identifiers: ClinVar variation 2416571 (VCV002416571.5), dbSNP rs2541979386, ClinGen allele CA382726508.